The following is an entry in ClinVar:

ClinVar aggregate classification (germline): Uncertain significance. Review status: criteria provided, multiple submitters, no conflicts (2 of 4 stars). 4 submissions from 4 submitters: Uncertain significance (4). Last evaluated 2024-09-29.

Conditions:
Catecholaminergic polymorphic ventricular tachycardia (CVPT). Also called: Catecholamine-induced polymorphic ventricular tachycardia. Identifiers: Orphanet 3286, MedGen C5574922, MONDO:0017990.
Cardiomyopathy (CMYO). Also called: Cardiomyopathies. Identifiers: Orphanet 167848, MedGen C0878544, MONDO:0004994, HP:0001638. Inheritance: Various modes of inheritance.
Catecholaminergic polymorphic ventricular tachycardia 1. Also called: VENTRICULAR TACHYCARDIA, CATECHOLAMINERGIC POLYMORPHIC, 1, WITH OR WITHOUT ATRIAL DYSFUNCTION AND/OR DILATED CARDIOMYOPATHY; VENTRICULAR TACHYCARDIA, STRESS-INDUCED POLYMORPHIC 1; RYR2-Related Catecholaminergic Polymorphic Ventricular Tachycardia. Identifiers: Orphanet 3286, MedGen C1631597, MONDO:0011484, OMIM 604772.

Allele frequency attached by ClinVar (database versions not stated): ExAC 0.00001; gnomAD exomes 0.00001 and 0.00002.
gnomAD v4.1: 8 of 1,613,596 alleles (0.0005%); highest among the groups gnomAD compares: East Asian, 0.0045%; no homozygotes.

Submissions (4):

Labcorp Genetics (formerly Invitae), Labcorp
Classification: Uncertain significance for Catecholaminergic polymorphic ventricular tachycardia 1. Last evaluated: 2024-09-29. Review status: criteria provided, single submitter. Criteria: Invitae Variant Classification Sherloc (09022015). Collection method: clinical testing. Allele origin: germline.
Comment: This sequence change replaces arginine, which is basic and polar, with glutamine, which is neutral and polar, at codon 3458 of the RYR2 protein (p.Arg3458Gln). This variant is present in population databases (rs762944627, gnomAD 0.01%). This variant has not been reported in the literature in individuals affected with RYR2-related conditions. ClinVar contains an entry for this variant (Variation ID: 449143). Invitae Evidence Modeling of protein sequence and biophysical properties (such as structural, functional, and spatial information, amino acid conservation, physicochemical variation, residue mobility, and thermodynamic stability) has been performed for this missense variant. However, the output from this modeling did not meet the statistical confidence thresholds required to predict the impact of this variant on RYR2 protein function. In summary, the available evidence is currently insufficient to determine the role of this variant in disease. Therefore, it has been classified as a Variant of Uncertain Significance.

Color Diagnostics, LLC DBA Color Health
Classification: Uncertain significance for Cardiomyopathy. Last evaluated: 2024-03-06. Review status: criteria provided, single submitter. Criteria: ACMG Guidelines, 2015. Collection method: clinical testing. Allele origin: germline.
Comment: This missense variant replaces arginine with glutamine at codon 3458 of the RYR2 protein. Computational prediction suggests that this variant may not impact protein structure and function (internally defined REVEL score threshold <= 0.5, PMID: 27666373). To our knowledge, functional studies have not been reported for this variant. This variant has not been reported in individuals affected with cardiovascular disorders in the literature. This variant has been identified in 4/248720 chromosomes in the general population by the Genome Aggregation Database (gnomAD). The available evidence is insufficient to determine the role of this variant in disease conclusively. Therefore, this variant is classified as a Variant of Uncertain Significance.

All of Us Research Program, National Institutes of Health
Classification: Uncertain significance for Catecholaminergic polymorphic ventricular tachycardia. Last evaluated: 2023-06-28. Review status: criteria provided, single submitter. Criteria: ACMG Guidelines, 2015. Collection method: clinical testing. Allele origin: germline. Inheritance: Autosomal dominant inheritance. Observed: 1 variant allele, 1 heterozygote.
Comment: This missense variant replaces arginine with glutamine at codon 3458 of the RYR2 protein. Computational prediction suggests that this variant may not impact protein structure and function (internally defined REVEL score threshold <= 0.5, PMID: 27666373). To our knowledge, functional studies have not been reported for this variant. This variant has not been reported in individuals affected with cardiovascular disorders in the literature. This variant has been identified in 4/248720 chromosomes in the general population by the Genome Aggregation Database (gnomAD). The available evidence is insufficient to determine the role of this variant in disease conclusively. Therefore, this variant is classified as a Variant of Uncertain Significance.

This study involves interpretation of variants in research participants for the purpose of population health screening. Participant phenotype was not available at the time of variant classification. Additional details can be found in publication PMID: 35346344, PMCID: PMC8962531

GeneDx
Classification: Uncertain significance. Last evaluated: 2016-11-30. Review status: criteria provided, single submitter. Criteria: GeneDx Variant Classification (06012015). Collection method: clinical testing. Allele origin: germline. Affected: yes.
Comment: A variant of uncertain significance has been identified in the RYR2 gene. The R3458Q variant has not been published as a pathogenic variant, nor has it been reported as a benign variant to our knowledge. This variant was not observed in approximately 6,000 individuals of European and African American ancestry in an external variant database, indicating it is not a common benign variant in these populations. The R3458Q variant is a semi-conservative amino acid substitution, which may impact secondary protein structure as these residues differ in some properties. Additionally, this substitution occurs at a position where amino acids with similar properties to Arginine are tolerated across species. Nevertheless, in silico analysis is inconsistent in its predictions as to whether or not the variant is damaging to the protein structure/function. Furthermore, R3458Q is not located in one of the three hot-spot regions of the RYR2 gene, where the majority of pathogenic missense variants occur (Medeiros-Domingo et al., 2009).Therefore, based on the currently available information, it is unclear whether this variant is pathogenic or rare benign.

NM_001035.3(RYR2):c.10373G>A (p.Arg3458Gln)

Gene: RYR2 (ryanodine receptor 2; plus strand). Cytogenetic location: 1q43.
Variant type: single nucleotide variant.
Coding change: c.10373G>A on transcript NM_001035.3 (MANE Select); coding-DNA position 10373, G replaced by A.
Protein change: p.Arg3458Gln; replaces arginine 3458 with glutamine.
Molecular consequence: missense variant.
Genome position (GRCh38, 1-based): chr1:237,717,247, G>A. VCF-style: chr1-237717247-G-A. GRCh37 (hg19) VCF-style: chr1-237880547-G-A.
Other names: c.10373G>A, p.Arg3458Gln (LRG_402t1); short protein forms R3458Q.
Identifiers: ClinVar variation 449143 (VCV000449143.15), dbSNP rs762944627, ClinGen allele CA084304.